The following is an entry in ClinVar:

ClinVar aggregate classification (germline): Conflicting classifications of pathogenicity. Review status: criteria provided, conflicting classifications (1 of 4 stars). 4 submissions from 4 submitters: Likely pathogenic (2); Uncertain significance (2). Last evaluated 2026-09-22.

Conditions:
CIROP-related disorder. Also called: CIROP-related condition.
Heterotaxy, visceral, 12, autosomal (HTX12). Identifiers: MedGen C5676898, MONDO:0859222, OMIM 619702.

Allele frequency attached by ClinVar (database versions not stated): gnomAD 0.00014; TOPMed 0.00018; 1000 Genomes Project 0.00020; 1000 Genomes Project 30x 0.00031.
gnomAD v4.1: 93 of 700,980 alleles (0.013%); highest among the groups gnomAD compares: Middle Eastern, 0.023%; 1 homozygote.

Submissions (4):

PreventionGenetics, part of Exact Sciences
Classification: Likely pathogenic for CIROP-related condition. Last evaluated: 2026-09-22. Review status: criteria provided, single submitter. Criteria: ACMG Guidelines, 2015. Collection method: clinical testing. Allele origin: germline.
Comment: The CIROP c.64C>T variant is predicted to result in premature protein termination (p.Arg22*). To our knowledge, this variant has not been reported in the literature. This variant is reported in 0.025% of alleles in individuals of Latino descent in gnomAD. Nonsense variants in CIROP are expected to be pathogenic. This variant is assessed in ClinVar as uncertain and likely pathogenic (Variation ID: 2442172). This variant is interpreted as likely pathogenic.

CeGaT Center for Human Genetics Tuebingen
Classification: Uncertain significance. Last evaluated: 2025-08-01. Review status: criteria provided, single submitter. Criteria: CeGaT Center For Human Genetics Tuebingen Variant Classification Criteria Version 2. Collection method: clinical testing. Allele origin: germline. Affected: yes. Observed: 1 variant allele.
Comment: CIROP: PM2, PVS1:Supporting

Laboratoire de Génétique Moléculaire, CHU Bordeaux
Classification: Likely pathogenic for Heterotaxy, visceral, 12, autosomal. Last evaluated: 2023-09-26. Review status: criteria provided, single submitter. Criteria: ACMG Guidelines, 2015. Collection method: clinical testing. Allele origin: germline. Affected: yes.

Baylor Genetics
Classification: Uncertain significance for Heterotaxy, visceral, 12, autosomal. Last evaluated: 2022-07-24. Review status: criteria provided, single submitter. Criteria: ACMG Guidelines, 2015. Collection method: clinical testing. Allele origin: unknown.

NM_001354640.2(CIROP):c.64C>T (p.Arg22Ter)

Gene: CIROP (ciliated left-right organizer metallopeptidase; minus strand). Cytogenetic location: 14q11.2.
Variant type: single nucleotide variant.
Coding change: c.64C>T on transcript NM_001354640.2 (MANE Select); coding-DNA position 64, C replaced by T.
Protein change: p.Arg22Ter; replaces arginine 22 with a stop codon.
Molecular consequence: nonsense.
Genome position (GRCh38, 1-based): chr14:23,104,857, G>A on the plus strand (C>T on the coding strand, the complement: CIROP is on the minus strand). VCF-style: chr14-23104857-G-A. GRCh37 (hg19) VCF-style: chr14-23574066-G-A.
Other names: c.64C>T (NM_001354640.1); c.64C>T, p.Arg22Ter (NM_001402427.1); short protein forms R22*.
Identifiers: ClinVar variation 2442172 (VCV002442172.10), dbSNP rs185661693, ClinGen allele CA7111047.
Genomic context (GRCh38, chr14:23,104,857, plus strand): 5'-GTTGGGAGAAAGGGGGCCTGAGAAGGCTCACAGACTTCTGTGTCTCATCATGTAGACATC[G>A]GCTTGCAGCAACCCTGAGGACTAGTGGCGGCAGCAGCAGCAGCAGCAGCAGCAGCAGCAG-3'